The following is an entry in ClinVar:

NM_000124.4(ERCC6):c.1526+1G>T

Gene: ERCC6 (ERCC excision repair 6, chromatin remodeling factor; minus strand). Cytogenetic location: 10q11.23.
Variant type: single nucleotide variant.
Coding change: c.1526+1G>T on transcript NM_000124.4 (MANE Select); the canonical splice donor site of the intron after coding-DNA position 1526, G replaced by T.
Molecular consequence: splice donor variant.
Genome position (GRCh38, 1-based): chr10:49,505,883, C>A on the plus strand (G>T on the coding strand, the complement: ERCC6 is on the minus strand). VCF-style: chr10-49505883-C-A. GRCh37 (hg19) VCF-style: chr10-50713929-C-A.
Other names: c.1526+1G>T (NM_001346440.2).
Identifiers: ClinVar variation 190147 (VCV000190147.26), dbSNP rs371739894, ClinGen allele CA274690.

ClinVar aggregate classification (germline): Pathogenic/Likely pathogenic. Review status: criteria provided, multiple submitters, no conflicts (2 of 4 stars). 9 submissions from 9 submitters: Pathogenic (5); Likely pathogenic (3). 1 of the submissions does not count toward it. Last evaluated 2025-06-23.

Conditions:
Cockayne spectrum with or without cerebrooculofacioskeletal syndrome. Identifiers: MedGen CN315928, MONDO:0100506.
Cerebrooculofacioskeletal syndrome 1 (COFS1). Also called: Cerebro-oculo-facio-skeletal syndrome 1. Identifiers: MedGen C0220722, MONDO:0008955, OMIM 214150.
Cockayne syndrome type 2 (CSB). Also called: Cockayne Syndrome, Type II; COCKAYNE SYNDROME B. Identifiers: Orphanet 191, Orphanet 90322, MedGen C0751038, MONDO:0019570, OMIM 133540.
Lung cancer. Also called: Lung cancer, somatic; Malignant tumor of lung. Identifiers: MedGen C0242379, MONDO:0008903, OMIM 211980.
UV-sensitive syndrome 1 (UVSS1). Identifiers: Orphanet 178338, MedGen C3551173, MONDO:0010909, OMIM 600630.
Age related macular degeneration 5. Identifiers: MedGen C3151063, MONDO:0013409, OMIM 613761.
Premature ovarian failure 11 (POF11). Identifiers: MedGen C4310783, MONDO:0014843, OMIM 616946.
DE SANCTIS-CACCHIONE SYNDROME. Identifiers: MedGen C0265201, MONDO:0010217, OMIM 278800.
Cockayne syndrome. Identifiers: Orphanet 191, MedGen C0009207, MONDO:0016006.

Allele frequency attached by ClinVar (database versions not stated): ExAC 0.00002; ESP Exome Variant Server 0.00015; gnomAD 0.00001 and 0.00003; gnomAD exomes 0.00001 and 0.00002; TOPMed 0.00003.
gnomAD v4.1: 27 of 1,612,938 alleles (0.0017%); highest among the groups gnomAD compares: Non-Finnish European, 0.0022%; no homozygotes.

Submissions (9):

GeneDx
Classification: Pathogenic. Last evaluated: 2025-06-23. Review status: criteria provided, single submitter. Criteria: GeneDx Variant Classification Process June 2021. Collection method: clinical testing. Allele origin: germline.
Comment: Canonical splice site variant with an unclear effect on protein function; Not observed at significant frequency in large population cohorts (gnomAD); This variant is associated with the following publications: (PMID: 29572252, 34052969)

Fulgent Genetics
Classification: Likely pathogenic for Cockayne syndrome type 2; Lung cancer; Cerebrooculofacioskeletal syndrome 1; DE SANCTIS-CACCHIONE SYNDROME; UV-sensitive syndrome 1; Age related macular degeneration 5; Premature ovarian failure 11. Last evaluated: 2024-04-30. Review status: criteria provided, single submitter. Criteria: ACMG Guidelines, 2015. Collection method: clinical testing. Allele origin: germline.

Labcorp Genetics (formerly Invitae), Labcorp
Classification: Likely pathogenic. Last evaluated: 2024-03-27. Review status: criteria provided, single submitter. Criteria: Invitae Variant Classification Sherloc (09022015). Collection method: clinical testing. Allele origin: germline.
Comment: This sequence change affects a donor splice site in intron 6 of the ERCC6 gene. It is expected to disrupt RNA splicing. Variants that disrupt the donor or acceptor splice site typically lead to a loss of protein function (PMID: 16199547), and loss-of-function variants in ERCC6 are known to be pathogenic (PMID: 18628313, 29572252). This variant is present in population databases (rs371739894, gnomAD 0.003%). Disruption of this splice site has been observed in individual(s) with clinical features of ERCC6-related conditions (PMID: 29572252, 34052969). ClinVar contains an entry for this variant (Variation ID: 190147). Algorithms developed to predict the effect of sequence changes on RNA splicing suggest that this variant may disrupt the consensus splice site. In summary, the currently available evidence indicates that the variant is pathogenic, but additional data are needed to prove that conclusively. Therefore, this variant has been classified as Likely Pathogenic.

Women's Health and Genetics/Laboratory Corporation of America, LabCorp
Classification: Likely pathogenic for Cockayne syndrome. Last evaluated: 2023-04-12. Review status: criteria provided, single submitter. Criteria: LabCorp Variant Classification Summary - May 2015. Collection method: clinical testing. Allele origin: germline.
Comment: Variant summary: ERCC6 c.1526+1G>T is located in a canonical splice-site and is predicted to affect mRNA splicing resulting in a significantly altered protein due to either exon skipping, shortening, or inclusion of intronic material. Several computational tools predict a significant impact on normal splicing: Four predict the variant abolishes a canonical 5' splicing donor site. However, these predictions have yet to be confirmed by functional studies. The variant allele was found at a frequency of 1.2e-05 in 250636 control chromosomes (gnomAD). c.1526+1G>T has been reported in the literature in a compound heterozygous individual affected with Cockayne Syndrome (Calmels_2018) and in two individuals diagnosed with an unspecified primary mitochondrial disorder presenting with ataxia (Martin-Saavedra_2022). To our knowledge, no experimental evidence demonstrating an impact on protein function has been reported. Five submitters have provided clinical-significance assessments for this variant to ClinVar after 2014 and all classified the variant as pathogenic (n=3)/likely pathogenic (n=2). Based on the evidence outlined above, the variant was classified as likely pathogenic.

Department of Pathology and Laboratory Medicine, Sinai Health System
Classification: Pathogenic for Cockayne spectrum with or without cerebrooculofacioskeletal syndrome. Last evaluated: 2022-07-04. Review status: criteria provided, single submitter. Criteria: ACMG Guidelines, 2015. Collection method: research. Allele origin: germline.

Revvity Omics, Revvity
Classification: Pathogenic. Last evaluated: 2019-05-02. Review status: criteria provided, single submitter. Criteria: ACMG Guidelines, 2015. Collection method: clinical testing. Allele origin: germline.

Eurofins Ntd Llc (ga)
Classification: Pathogenic. Last evaluated: 2016-11-29. Review status: criteria provided, single submitter. Criteria: EGL Classification Definitions 2015. Collection method: clinical testing. Allele origin: germline. Observed: 3 variant alleles, 3 heterozygotes.

Claritas Genomics
Classification: Pathogenic for Cockayne syndrome, type B. Last evaluated: 2012-01-09. Review status: criteria provided, single submitter. Criteria: ACMG Guidelines, 2007. Collection method: clinical testing. Allele origin: germline. Inheritance: Autosomal recessive inheritance.

Counsyl
Classification: Likely pathogenic for DE SANCTIS-CACCHIONE SYNDROME. Last evaluated: 2019-06-24. Review status: no assertion criteria provided. Collection method: clinical testing. Allele origin: unknown. Not counted in ClinVar's aggregate classification.

Literature cited by the submitters: PubMed 16199547 (cited by Labcorp Genetics (formerly Invitae), Labcorp); PubMed 18628313 (cited by Labcorp Genetics (formerly Invitae), Labcorp); PubMed 29572252 (cited by 3 submitters); PubMed 34052969 (cited by Labcorp Genetics (formerly Invitae), Labcorp and Women's Health and Genetics/Laboratory Corporation of America, LabCorp).